The following is an entry in ClinVar:

NM_001385408.1(NBPF15):c.641G>A (p.Ser214Asn)

Gene: NBPF15 (NBPF member 15; minus strand). Cytogenetic location: 1q21.1.
Variant type: single nucleotide variant.
Coding change: c.641G>A on transcript NM_001385408.1 (MANE Select); coding-DNA position 641, G replaced by A.
Protein change: p.Ser214Asn; replaces serine 214 with asparagine.
Molecular consequence: missense variant.
Genome position (GRCh38, 1-based): chr1:144,435,242, C>T on the plus strand (G>A on the coding strand, the complement: NBPF15 is on the minus strand). VCF-style: chr1-144435242-C-T. GRCh37 (hg19) VCF-style: chr1-148582407-G-A.
Other names: c.641G>A, p.Ser214Asn (NM_001385413.1, NM_001385414.1, NM_001385415.1 and 50 more transcripts); short protein forms S214N.
Identifiers: ClinVar variation 2363054 (VCV002363054.15), dbSNP rs202132436, ClinGen allele CA29797455.

ClinVar aggregate classification (germline): Conflicting classifications of pathogenicity. Review status: criteria provided, conflicting classifications (1 of 4 stars). 2 submissions from 2 submitters: Uncertain significance (1); Likely benign (1). Last evaluated 2024-12-01.

Allele frequency attached by ClinVar (database versions not stated): TOPMed 0.00045; gnomAD 0.00048; 1000 Genomes Project 30x 0.00062; gnomAD exomes 0.00077.

Submissions (2):

CeGaT Center for Human Genetics Tuebingen
Classification: Likely benign. Last evaluated: 2024-12-01. Review status: criteria provided, single submitter. Criteria: CeGaT Center For Human Genetics Tuebingen Variant Classification Criteria Version 2. Collection method: clinical testing. Allele origin: germline. Affected: yes. Observed: 1 variant allele.
Comment: NBPF15: PP2, BS2

Ambry Genetics
Classification: Uncertain significance. Last evaluated: 2021-10-18. Review status: criteria provided, single submitter. Criteria: Ambry Variant Classification Scheme 2023. Collection method: clinical testing. Allele origin: germline.